The following is an entry in ClinVar:

NM_139027.6(ADAMTS13):c.176G>A (p.Arg59His)

Gene: ADAMTS13 (ADAM metallopeptidase with thrombospondin type 1 motif 13; plus strand). Cytogenetic location: 9q34.2.
Variant type: single nucleotide variant.
Coding change: c.176G>A on transcript NM_139027.6 (MANE Select); coding-DNA position 176, G replaced by A.
Protein change: p.Arg59His; replaces arginine 59 with histidine.
Molecular consequence: missense variant. On other transcripts: non-coding transcript variant (1).
Genome position (GRCh38, 1-based): chr9:133,424,324, G>A. VCF-style: chr9-133424324-G-A. GRCh37 (hg19) VCF-style: chr9-136289444-G-A.
Other names: c.176G>A, p.Arg59His (NM_139025.5, NM_139026.6); short protein forms R59H.
Identifiers: ClinVar variation 2900542 (VCV002900542.1), dbSNP rs370929256, ClinGen allele CA200880096.

ClinVar aggregate classification (germline): Uncertain significance (1 of 4 stars; one submission).

Allele frequency attached by ClinVar (database versions not stated): gnomAD 0.00001; ExAC 0.00003; ESP Exome Variant Server 0.00008.
gnomAD v4.1: 22 of 1,612,036 alleles (0.0014%); highest among the groups gnomAD compares: South Asian, 0.0022%; no homozygotes.

Submission:

Labcorp Genetics (formerly Invitae), Labcorp
Classification: Uncertain significance. Last evaluated: 2023-10-28. Review status: criteria provided, single submitter. Criteria: Invitae Variant Classification Sherloc (09022015). Collection method: clinical testing. Allele origin: germline.
Comment: This sequence change replaces arginine, which is basic and polar, with histidine, which is basic and polar, at codon 59 of the ADAMTS13 protein (p.Arg59His). This variant is present in population databases (rs370929256, gnomAD 0.005%). This variant has not been reported in the literature in individuals affected with ADAMTS13-related conditions. Algorithms developed to predict the effect of missense changes on protein structure and function output the following: SIFT: "Not Available"; PolyPhen-2: "Benign"; Align-GVGD: "Not Available". The histidine amino acid residue is found in multiple mammalian species, which suggests that this missense change does not adversely affect protein function. In summary, the available evidence is currently insufficient to determine the role of this variant in disease. Therefore, it has been classified as a Variant of Uncertain Significance.